The following is an entry in ClinVar:

NM_007055.4(POLR3A):c.3746A>G (p.Asn1249Ser)

Gene: POLR3A (RNA polymerase III subunit A; minus strand). Cytogenetic location: 10q22.3.
Variant type: single nucleotide variant.
Coding change: c.3746A>G on transcript NM_007055.4 (MANE Select); coding-DNA position 3746, A replaced by G.
Protein change: p.Asn1249Ser; replaces asparagine 1249 with serine.
Molecular consequence: missense variant.
Genome position (GRCh38, 1-based): chr10:77,982,167, T>C on the plus strand (A>G on the coding strand, the complement: POLR3A is on the minus strand). VCF-style: chr10-77982167-T-C. GRCh37 (hg19) VCF-style: chr10-79741925-T-C.
Other names: short protein forms N1249S.
Identifiers: ClinVar variation 1350062 (VCV001350062.7), dbSNP rs898936234, ClinGen allele CA210188435.

ClinVar aggregate classification (germline): Uncertain significance (1 of 4 stars; one submission).

Allele frequency attached by ClinVar (database versions not stated): gnomAD 0.00001; gnomAD exomes 0.00001; TOPMed 0.00001.
gnomAD v4.1: 10 of 1,613,760 alleles (0.00062%); highest among the groups gnomAD compares: Admixed American, 0.0017%; no homozygotes.

Submission:

Labcorp Genetics (formerly Invitae), Labcorp
Classification: Uncertain significance. Last evaluated: 2021-05-21. Review status: criteria provided, single submitter. Criteria: Invitae Variant Classification Sherloc (09022015). Collection method: clinical testing. Allele origin: germline.
Comment: In summary, the available evidence is currently insufficient to determine the role of this variant in disease. Therefore, it has been classified as a Variant of Uncertain Significance. Algorithms developed to predict the effect of sequence changes on RNA splicing suggest that this variant may create or strengthen a splice site, but this prediction has not been confirmed by published transcriptional studies. Algorithms developed to predict the effect of missense changes on protein structure and function are either unavailable or do not agree on the potential impact of this missense change (SIFT: "Deleterious"; PolyPhen-2: "Probably Damaging"; Align-GVGD: "Class C0"). This variant has not been reported in the literature in individuals with POLR3A-related conditions. This variant is not present in population databases (ExAC no frequency). This sequence change replaces asparagine with serine at codon 1249 of the POLR3A protein (p.Asn1249Ser). The asparagine residue is highly conserved and there is a small physicochemical difference between asparagine and serine.